The following is an entry in ClinVar:

NM_001364564.1(SALL2):c.2223C>T (p.Ser741=)

Gene: SALL2 (spalt like transcription factor 2; minus strand). Cytogenetic location: 14q11.2.
Variant type: single nucleotide variant.
Coding change: c.2223C>T on transcript NM_001364564.1 (MANE Select); coding-DNA position 2223, C replaced by T.
Protein change: p.Ser741=; no amino-acid change (serine 741 retained).
Molecular consequence: synonymous variant.
Genome position (GRCh38, 1-based): chr14:21,523,499, G>A on the plus strand (C>T on the coding strand, the complement: SALL2 is on the minus strand). VCF-style: chr14-21523499-G-A. GRCh37 (hg19) VCF-style: chr14-21991633-G-A.
Other names: c.1824C>T, p.Ser608= (NM_001291446.2); c.1818C>T, p.Ser606= (NM_001291447.2); c.2229C>T, p.Ser743= (NM_005407.3).
Identifiers: ClinVar variation 3037421 (VCV003037421.2), dbSNP rs190385056, ClinGen allele CA7093530.

ClinVar aggregate classification (germline): Likely benign (0 of 4 stars; one submission).

Conditions:
SALL2-related disorder. Also called: SALL2-related condition.

Allele frequency attached by ClinVar (database versions not stated): gnomAD 0.00015; ExAC 0.00017; TOPMed 0.00019; 1000 Genomes Project 30x 0.00109; 1000 Genomes Project 0.00120.

Submission:

PreventionGenetics, part of Exact Sciences
Classification: Likely benign for SALL2-related condition. Last evaluated: 2019-05-01. Review status: no assertion criteria provided. Collection method: clinical testing. Allele origin: germline.
Comment: This variant is classified as likely benign based on ACMG/AMP sequence variant interpretation guidelines (Richards et al. 2015 PMID: 25741868, with internal and published modifications).